The following is an entry in ClinVar:

ClinVar aggregate classification (germline): Benign (0 of 4 stars; one submission).

Conditions:
LRP1B-related disorder. Also called: LRP1B-related condition.

Allele frequency attached by ClinVar (database versions not stated): 1000 Genomes Project 30x 0.01515; 1000 Genomes Project 0.01637; TOPMed 0.01867; ESP Exome Variant Server 0.01973; gnomAD 0.02182; gnomAD exomes 0.02205; ExAC 0.02467.
gnomAD v4.1: 35,245 of 1,594,846 alleles (2.2%); highest among the groups gnomAD compares: Non-Finnish European, 2.2%; 463 homozygotes.

Submission:

PreventionGenetics, part of Exact Sciences
Classification: Benign for LRP1B-related condition. Last evaluated: 2019-07-19. Review status: no assertion criteria provided. Collection method: clinical testing. Allele origin: germline.
Comment: This variant is classified as benign based on ACMG/AMP sequence variant interpretation guidelines (Richards et al. 2015 PMID: 25741868, with internal and published modifications).

NM_018557.3(LRP1B):c.10844G>C (p.Gly3615Ala)

Gene: LRP1B (LDL receptor related protein 1B; minus strand). Cytogenetic location: 2q22.1.
Variant type: single nucleotide variant.
Coding change: c.10844G>C on transcript NM_018557.3 (MANE Select); coding-DNA position 10844, G replaced by C.
Protein change: p.Gly3615Ala; replaces glycine 3615 with alanine.
Molecular consequence: missense variant.
Genome position (GRCh38, 1-based): chr2:140,371,210, C>G on the plus strand (G>C on the coding strand, the complement: LRP1B is on the minus strand). VCF-style: chr2-140371210-C-G. GRCh37 (hg19) VCF-style: chr2-141128779-C-G.
Other names: short protein forms G3615A.
Identifiers: ClinVar variation 3060133 (VCV003060133.2), dbSNP rs76554185, ClinGen allele CA1893275.